The following is an entry in ClinVar:

ClinVar aggregate classification (germline): Likely pathogenic (1 of 4 stars; one submission).

Conditions:
Primary ciliary dyskinesia. Also called: Ciliary dyskinesia. Identifiers: Orphanet 244, MedGen C0008780, MONDO:0016575, HP:0012265.

Submission:

Labcorp Genetics (formerly Invitae), Labcorp
Classification: Likely pathogenic for Primary ciliary dyskinesia. Last evaluated: 2025-12-15. Review status: criteria provided, single submitter. Criteria: Invitae Variant Classification Sherloc (09022015). Collection method: clinical testing. Allele origin: germline.
Comment: This sequence change affects an acceptor splice site in intron 42 of the DNAH11 gene. It is expected to disrupt RNA splicing. Variants that disrupt the donor or acceptor splice site typically lead to a loss of protein function (PMID: 16199547), and loss-of-function variants in DNAH11 are known to be pathogenic (PMID: 18022865, 20513915, 22184204). This variant is not present in population databases (gnomAD no frequency). This variant has not been reported in the literature in individuals affected with DNAH11-related conditions. Algorithms developed to predict the effect of sequence changes on RNA splicing suggest that this variant may disrupt the consensus splice site. In summary, the currently available evidence indicates that the variant is pathogenic, but additional data are needed to prove that conclusively. Therefore, this variant has been classified as Likely Pathogenic.

Literature cited by the submitters: PubMed 16199547; PubMed 18022865; PubMed 20513915; PubMed 22184204.

NM_001277115.2(DNAH11):c.6984-1G>A

Gene: DNAH11 (dynein axonemal heavy chain 11; plus strand). Cytogenetic location: 7p15.3.
Variant type: single nucleotide variant.
Coding change: c.6984-1G>A on transcript NM_001277115.2 (MANE Select); the canonical splice acceptor site of the intron before coding-DNA position 6984, G replaced by A.
Molecular consequence: splice acceptor variant.
Genome position (GRCh38, 1-based): chr7:21,717,774, G>A. VCF-style: chr7-21717774-G-A. GRCh37 (hg19) VCF-style: chr7-21757392-G-A.
Identifiers: ClinVar variation 4766869 (VCV004766869.1).
Genomic context (GRCh38, chr7:21,717,774, plus strand): 5'-TGGTGAAATTCTGCTTTTCAAGCCTAGTGTTCAATAAAAGCTTTTCTGTGTTCCTTTTCA[G>A]GTATGTGGCCAGTTGGATAGACAGAAGGCGGCATCAATCAGAAAAGGCCAATTTGACTAT-3'